The following is an entry in ClinVar:

ClinVar aggregate classification (germline): Uncertain significance. Review status: criteria provided, multiple submitters, no conflicts (2 of 4 stars). 2 submissions from 2 submitters: Uncertain significance (2). Last evaluated 2026-02-25.

Allele frequency attached by ClinVar (database versions not stated): TOPMed 0.00007; ExAC 0.00002; ESP Exome Variant Server 0.00008; 1000 Genomes Project 30x 0.00016; 1000 Genomes Project 0.00020; gnomAD 0.00006.
gnomAD v4.1: 21 of 1,613,822 alleles (0.0013%); highest among the groups gnomAD compares: African/African-American, 0.012%; no homozygotes.

Submissions (2):

GeneDx
Classification: Uncertain significance. Last evaluated: 2026-02-25. Review status: criteria provided, single submitter. Criteria: GeneDx Variant Classification Process June 2021. Collection method: clinical testing. Allele origin: germline.
Comment: In silico analysis supports that this missense variant has a deleterious effect on protein structure/function; Has not been previously published as pathogenic or benign to our knowledge

Labcorp Genetics (formerly Invitae), Labcorp
Classification: Uncertain significance. Last evaluated: 2022-08-01. Review status: criteria provided, single submitter. Criteria: Invitae Variant Classification Sherloc (09022015). Collection method: clinical testing. Allele origin: germline.
Comment: This variant has not been reported in the literature in individuals affected with NDUFS8-related conditions. This variant is present in population databases (rs376540665, gnomAD 0.02%). This sequence change replaces arginine, which is basic and polar, with cysteine, which is neutral and slightly polar, at codon 57 of the NDUFS8 protein (p.Arg57Cys). In summary, the available evidence is currently insufficient to determine the role of this variant in disease. Therefore, it has been classified as a Variant of Uncertain Significance. Algorithms developed to predict the effect of missense changes on protein structure and function are either unavailable or do not agree on the potential impact of this missense change (SIFT: "Deleterious"; PolyPhen-2: "Benign"; Align-GVGD: "Class C15").

NM_002496.4(NDUFS8):c.169C>T (p.Arg57Cys)

Gene: NDUFS8 (NADH:ubiquinone oxidoreductase core subunit S8; plus strand). Cytogenetic location: 11q13.2.
Variant type: single nucleotide variant.
Coding change: c.169C>T on transcript NM_002496.4 (MANE Select); coding-DNA position 169, C replaced by T.
Protein change: p.Arg57Cys; replaces arginine 57 with cysteine.
Molecular consequence: missense variant.
Genome position (GRCh38, 1-based): chr11:68,032,982, C>T. VCF-style: chr11-68032982-C-T. GRCh37 (hg19) VCF-style: chr11-67800449-C-T.
Other names: c.169C>T (NM_002496.2); short protein forms R57C.
Identifiers: ClinVar variation 2178687 (VCV002178687.5), dbSNP rs376540665, ClinGen allele CA6146391.